The following is an entry in ClinVar:

NM_000704.3(ATP4A):c.2061G>A (p.Ser687=)

Gene: ATP4A (ATPase H+/K+ transporting subunit alpha; minus strand). Cytogenetic location: 19q13.12.
Variant type: single nucleotide variant.
Coding change: c.2061G>A on transcript NM_000704.3 (MANE Select); coding-DNA position 2061, G replaced by A.
Protein change: p.Ser687=; no amino-acid change (serine 687 retained).
Molecular consequence: synonymous variant.
Genome position (GRCh38, 1-based): chr19:35,555,536, C>T on the plus strand (G>A on the coding strand, the complement: ATP4A is on the minus strand). VCF-style: chr19-35555536-C-T. GRCh37 (hg19) VCF-style: chr19-36046438-C-T.
Identifiers: ClinVar variation 3898291 (VCV003898291.7).

ClinVar aggregate classification (germline): Likely benign (1 of 4 stars; one submission).

gnomAD v4.1: 11 of 1,601,254 alleles (0.00069%); highest among the groups gnomAD compares: East Asian, 0.0045%; no homozygotes.

Submission:

CeGaT Center for Human Genetics Tuebingen
Classification: Likely benign. Last evaluated: 2025-04-01. Review status: criteria provided, single submitter. Criteria: CeGaT Center For Human Genetics Tuebingen Variant Classification Criteria Version 2. Collection method: clinical testing. Allele origin: germline. Affected: yes. Observed: 1 variant allele.
Comment: ATP4A: BP4, BP7